The following is an entry in ClinVar:

ClinVar aggregate classification (germline): Uncertain significance (1 of 4 stars; one submission).

Allele frequency attached by ClinVar (database versions not stated): gnomAD 0.00001; TOPMed 0.00001.
gnomAD v4.1: 4 of 1,613,806 alleles (0.00025%); highest among the groups gnomAD compares: Non-Finnish European, 0.00034%; no homozygotes.

Submission:

Labcorp Genetics (formerly Invitae), Labcorp
Classification: Uncertain significance. Last evaluated: 2024-11-21. Review status: criteria provided, single submitter. Criteria: Invitae Variant Classification Sherloc (09022015). Collection method: clinical testing. Allele origin: germline.
Comment: This sequence change replaces glutamic acid, which is acidic and polar, with aspartic acid, which is acidic and polar, at codon 355 of the JAK1 protein (p.Glu355Asp). This variant is not present in population databases (gnomAD no frequency). This variant has not been reported in the literature in individuals affected with JAK1-related conditions. ClinVar contains an entry for this variant (Variation ID: 1380860). Invitae Evidence Modeling of protein sequence and biophysical properties (such as structural, functional, and spatial information, amino acid conservation, physicochemical variation, residue mobility, and thermodynamic stability) indicates that this missense variant is not expected to disrupt JAK1 protein function with a negative predictive value of 80%. In summary, the available evidence is currently insufficient to determine the role of this variant in disease. Therefore, it has been classified as a Variant of Uncertain Significance.

NM_002227.4(JAK1):c.1065G>C (p.Glu355Asp)

Gene: JAK1 (Janus kinase 1; minus strand). Cytogenetic location: 1p31.3.
Variant type: single nucleotide variant.
Coding change: c.1065G>C on transcript NM_002227.4 (MANE Select); coding-DNA position 1065, G replaced by C.
Protein change: p.Glu355Asp; replaces glutamic acid 355 with aspartic acid.
Molecular consequence: missense variant.
Genome position (GRCh38, 1-based): chr1:64,864,898, C>G on the plus strand (G>C on the coding strand, the complement: JAK1 is on the minus strand). VCF-style: chr1-64864898-C-G. GRCh37 (hg19) VCF-style: chr1-65330581-C-G.
Other names: c.1065G>C, p.Glu355Asp (NM_001320923.2, NM_001321852.2, NM_001321853.2 and 4 more transcripts); short protein forms E355D.
Identifiers: ClinVar variation 1380860 (VCV001380860.6), dbSNP rs1264154039, ClinGen allele CA340673920.